The following is an entry in ClinVar:

ClinVar aggregate classification (germline): Uncertain significance. Review status: criteria provided, multiple submitters, no conflicts (2 of 4 stars). 3 submissions from 3 submitters: Uncertain significance (3). Last evaluated 2024-04-01.

Allele frequency attached by ClinVar (database versions not stated): gnomAD 0.00018; ESP Exome Variant Server 0.00023.
gnomAD v4.1: 256 of 1,519,332 alleles (0.017%); highest among the groups gnomAD compares: Admixed American, 0.036%; 1 homozygote.

Submissions (3):

Ambry Genetics
Classification: Uncertain significance. Last evaluated: 2024-04-01. Review status: criteria provided, single submitter. Criteria: Ambry Variant Classification Scheme 2023. Collection method: clinical testing. Allele origin: germline.

Labcorp Genetics (formerly Invitae), Labcorp
Classification: Uncertain significance. Last evaluated: 2023-03-08. Review status: criteria provided, single submitter. Criteria: Invitae Variant Classification Sherloc (09022015). Collection method: clinical testing. Allele origin: germline.
Comment: This variant is present in population databases (rs150784328, gnomAD 0.05%). In summary, the available evidence is currently insufficient to determine the role of this variant in disease. Therefore, it has been classified as a Variant of Uncertain Significance. An algorithm developed to predict the effect of missense changes on protein structure and function (PolyPhen-2) suggests that this variant¬† is likely to be tolerated. ClinVar contains an entry for this variant (Variation ID: 2198783). This variant has not been reported in the literature in individuals affected with PLEKHG2-related conditions. This sequence change replaces proline, which is neutral and non-polar, with leucine, which is neutral and non-polar, at codon 560 of the PLEKHG2 protein (p.Pro560Leu).

Breakthrough Genomics
Classification: Uncertain significance. Review status: criteria provided, single submitter. Criteria: ACMG Guidelines, 2015. Collection method: not provided. Allele origin: germline. Inheritance: Autosomal dominant inheritance. Affected: yes.

NM_022835.3(PLEKHG2):c.1679C>T (p.Pro560Leu)

Gene: PLEKHG2 (pleckstrin homology and RhoGEF domain containing G2; plus strand). Cytogenetic location: 19q13.2.
Variant type: single nucleotide variant.
Coding change: c.1679C>T on transcript NM_022835.3 (MANE Select); coding-DNA position 1679, C replaced by T.
Protein change: p.Pro560Leu; replaces proline 560 with leucine.
Molecular consequence: missense variant. On other transcripts: intron variant (1).
Genome position (GRCh38, 1-based): chr19:39,422,733, C>T. VCF-style: chr19-39422733-C-T. GRCh37 (hg19) VCF-style: chr19-39913373-C-T.
Other names: c.1502C>T, p.Pro501Leu (NM_001351693.2); c.1677+445C>T (NM_001351694.2); c.1679C>T (NM_022835.2); short protein forms P560L, P501L.
Identifiers: ClinVar variation 2198783 (VCV002198783.5), dbSNP rs150784328, ClinGen allele CA9429629.
Genomic context (GRCh38, chr19:39,422,733, plus strand): 5'-GCCACCACACCCAGCTACCATGCTGATATGTTTGGCTTGTTCTCCTGTGCCCACTATAGC[C>T]GTCCACCCATGACATTCCCAAGTTCCCCGGAGACTCCCAGGTGCCTGGCGACAGCGAAAC-3'
Protein context (NP_073746.2, residues 550-570): LNQRGLRDPG[Pro560Leu]STHDIPKFPG